The following is an entry in ClinVar:

NM_006514.4(SCN10A):c.4214G>C (p.Gly1405Ala)

Gene: SCN10A (sodium voltage-gated channel alpha subunit 10; minus strand). Cytogenetic location: 3p22.2.
Variant type: single nucleotide variant.
Coding change: c.4214G>C on transcript NM_006514.4 (MANE Select); coding-DNA position 4214, G replaced by C.
Protein change: p.Gly1405Ala; replaces glycine 1405 with alanine.
Molecular consequence: missense variant.
Genome position (GRCh38, 1-based): chr3:38,709,545, C>G on the plus strand (G>C on the coding strand, the complement: SCN10A is on the minus strand). VCF-style: chr3-38709545-C-G. GRCh37 (hg19) VCF-style: chr3-38751036-C-G.
Other names: c.4211G>C, p.Gly1404Ala (NM_001293306.2); c.3920G>C, p.Gly1307Ala (NM_001293307.2); short protein forms G1404A, G1405A, G1307A.
Identifiers: ClinVar variation 3316502 (VCV003316502.1).
Genomic context (GRCh38, chr3:38,709,545, plus strand): 5'-TTCTGTTGATTGAAGTTGTCAATTATGACCCCAACAAAGAGATTCAGTGTGAAGAAGCCT[C>G]CAAAAATGATGAAGATGACAAAGTACAAATACATGTACACGTTGTCCTCCCACTTGGGTT-3'
Protein context (NP_006505.4, residues 1395-1415): YLYFVIFIIF[Gly1405Ala]GFFTLNLFVG

ClinVar aggregate classification (germline): Uncertain significance (1 of 4 stars; one submission).

Conditions:
Cardiovascular phenotype. Identifiers: MedGen CN230736.

Submission:

Ambry Genetics
Classification: Uncertain significance for Cardiovascular phenotype. Last evaluated: 2024-04-05. Review status: criteria provided, single submitter. Criteria: Ambry Variant Classification Scheme 2023. Collection method: clinical testing. Allele origin: germline.
Comment: The p.G1405A variant (also known as c.4214G>C), located in coding exon 24 of the SCN10A gene, results from a G to C substitution at nucleotide position 4214. The glycine at codon 1405 is replaced by alanine, an amino acid with similar properties. This amino acid position is highly conserved in available vertebrate species. In addition, this alteration is predicted to be deleterious by in silico analysis. The evidence for this gene-disease relationship is limited; therefore, the clinical significance of this alteration is unclear.